The following is an entry in ClinVar:

NM_000059.4(BRCA2):c.3966C>T (p.Asn1322=)

Gene: BRCA2 (BRCA2 DNA repair associated; plus strand). Cytogenetic location: 13q13.1.
Variant type: single nucleotide variant.
Coding change: c.3966C>T on transcript NM_000059.4 (MANE Select); coding-DNA position 3966, C replaced by T.
Protein change: p.Asn1322=; no amino-acid change (asparagine 1322 retained).
Molecular consequence: synonymous variant.
Genome position (GRCh38, 1-based): chr13:32,338,321, C>T. VCF-style: chr13-32338321-C-T. GRCh37 (hg19) VCF-style: chr13-32912458-C-T.
Other names: 4194C/T.
Identifiers: ClinVar variation 126029 (VCV000126029.23), dbSNP rs80358647, ClinGen allele CA019300.

ClinVar aggregate classification (germline): Likely benign. Review status: reviewed by expert panel (3 of 4 stars). 9 submissions from 9 submitters: Likely benign (1). 8 of the submissions do not count toward it. Last evaluated 2017-06-29.

Conditions:
Hereditary cancer-predisposing syndrome. Also called: Tumor predisposition; Hereditary Cancer Syndrome; Neoplastic Syndromes, Hereditary; Hereditary neoplastic syndrome. Identifiers: Orphanet 140162, MedGen C0027672, MeSH D009386, MONDO:0015356.
Hereditary breast ovarian cancer syndrome. Also called: Hereditary breast and ovarian cancer; Hereditary breast and/or ovarian cancer syndrome; BRCA1- and BRCA2-Associated Hereditary Breast and Ovarian Cancer; Hereditary breast and ovarian cancer syndrome; Hereditary breast and ovarian cancer syndrome (HBOC); Breast and ovarian cancer. Identifiers: Orphanet 145, MedGen C0677776, MeSH D061325, MONDO:0003582. Disease mechanism: loss of function.
Breast-ovarian cancer, familial, susceptibility to, 2 (BROVCA2). Also called: BRCA2 Hereditary Breast and Ovarian Cancer. Identifiers: Orphanet 145, MedGen C2675520, MONDO:0012933, OMIM 612555. Disease mechanism: loss of function.

Allele frequency attached by ClinVar (database versions not stated): TOPMed 0.00001.
gnomAD v4.1: 8 of 1,586,342 alleles (0.0005%); highest among the groups gnomAD compares: African/African-American, 0.0081%; no homozygotes.

Submissions (9):

Evidence-based Network for the Interpretation of Germline Mutant Alleles (ENIGMA)
Classification: Likely benign for Breast-ovarian cancer, familial, susceptibility to, 2. Last evaluated: 2017-06-29. Review status: reviewed by expert panel. Criteria: ENIGMA BRCA1/2 Classification Criteria (2017-06-29). Collection method: curation. Allele origin: germline.
Comment: Synonymous substitution variant, with low bioinformatic likelihood to result in a splicing aberration (Splicing prior probability 0.02).

Labcorp Genetics (formerly Invitae), Labcorp
Classification: Likely benign for Hereditary breast ovarian cancer syndrome. Last evaluated: 2025-12-29. Review status: criteria provided, single submitter. Criteria: Invitae Variant Classification Sherloc (09022015). Collection method: clinical testing. Allele origin: germline. Not counted in ClinVar's aggregate classification.

KCCC/NGS Laboratory, Kuwait Cancer Control Center
Classification: Likely benign for Breast-ovarian cancer, familial, susceptibility to, 2. Last evaluated: 2023-07-07. Review status: criteria provided, single submitter. Criteria: ACMG Guidelines, 2015. Collection method: clinical testing. Allele origin: germline. Affected: yes. Not counted in ClinVar's aggregate classification.

Quest Diagnostics Nichols Institute San Juan Capistrano
Classification: Likely benign. Last evaluated: 2023-05-18. Review status: criteria provided, single submitter. Criteria: Quest Diagnostics criteria. Collection method: clinical testing. Allele origin: unknown. Not counted in ClinVar's aggregate classification.

All of Us Research Program, National Institutes of Health
Classification: Likely benign for Breast-ovarian cancer, familial, susceptibility to, 2. Last evaluated: 2023-04-28. Review status: criteria provided, single submitter. Criteria: ACMG Guidelines, 2015. Collection method: clinical testing. Allele origin: germline. Inheritance: Autosomal dominant inheritance. Observed: 2 variant alleles, 2 heterozygotes. Not counted in ClinVar's aggregate classification.
Comment: This study involves interpretation of variants in research participants for the purpose of population health screening. Participant phenotype was not available at the time of variant classification. Additional details can be found in publication PMID: 35346344, PMCID: PMC8962531

Women's Health and Genetics/Laboratory Corporation of America, LabCorp
Classification: Likely benign. Last evaluated: 2020-09-23. Review status: criteria provided, single submitter. Criteria: LabCorp Variant Classification Summary - May 2015. Collection method: clinical testing. Allele origin: germline. Not counted in ClinVar's aggregate classification.

Color Diagnostics, LLC DBA Color Health
Classification: Likely benign for Hereditary cancer-predisposing syndrome. Last evaluated: 2017-10-23. Review status: criteria provided, single submitter. Criteria: ACMG Guidelines, 2015. Collection method: clinical testing. Allele origin: germline. Not counted in ClinVar's aggregate classification.

Ambry Genetics
Classification: Likely benign for Hereditary cancer-predisposing syndrome. Last evaluated: 2015-09-17. Review status: criteria provided, single submitter. Criteria: Ambry Variant Classification Scheme 2023. Collection method: clinical testing. Allele origin: germline. Not counted in ClinVar's aggregate classification.

Breast Cancer Information Core (BIC) (BRCA2)
Classification: Uncertain significance for Breast-ovarian cancer, familial 2. Last evaluated: 1998-11-30. Review status: no assertion criteria provided. Collection method: clinical testing. Allele origin: germline. Affected: yes. Observed: 1 variant allele. Not counted in ClinVar's aggregate classification.

Literature cited by the submitters: PubMed 9971877 (cited by Quest Diagnostics Nichols Institute San Juan Capistrano).